The following continues an entry in ClinVar:

NM_016222.4(DDX41):c.415_418dup (p.Asp140delinsGlyTer)

Gene: DDX41. ClinVar aggregate classification (germline): Pathogenic/Likely pathogenic. Pathogenic (13); Likely pathogenic (1).

Submissions 13 to 18 of 18:

Illumina Laboratory Services, Illumina
Classification: Likely pathogenic for DDX41-related hematologic malignancy predisposition syndrome. Last evaluated: 2018-07-24. Review status: criteria provided, single submitter. Criteria: ICSLVariantClassificationCriteria RUGD 01 April 2020. Collection method: clinical testing. Allele origin: unknown.
Comment: The DDX41 c.415_418dupGATG p.(Asp140GlyfsTer2) causes a shift in the protein reading frame that is predicted to result in premature termination of the protein. Loss of normal protein function through either protein truncation or nonsense-mediated mRNA decay is expected. This variant has been identified in individuals with a phenotype consistent with familial myeloproliferative/lymphoproliferative neoplasms (Polprasert et al. 2015; Lewinsohn et al. 2016). At least three individuals, ranging in age from 55 to 76 years, from these families also carried the variant but did not show signs of disease, though incomplete penetrance has been reported (Lewinsohn et al. 2016). The highest frequency of this allele in the Genome Aggregation Database is 0.000166 in the European (non-Finnish) population (version 2.1.1). Cheah et al. (2017) report that the c.415_418dupGATG variant is the most common DDX41 variant in Caucasian patients and suggest that it may be a founder variant in this population. Based on the available evidence, the c.415_418dupGATG p.(Asp140GlyfsTer2) variant is classified as likely pathogenic for susceptibility to multiple types of familial myeloproliferative/lymphoproliferative neoplasms.

HudsonAlpha Institute for Biotechnology
Classification: Pathogenic for DDX41-related hematologic malignancy predisposition syndrome. Last evaluated: 2016-05-12. Review status: criteria provided, single submitter. Criteria: HA_assertions_20150911. Collection method: research. Allele origin: unknown. Observed: 1 variant allele. Study: CSER-HudsonAlpha.

OMIM
Classification: risk factor for MYELOPROLIFERATIVE/LYMPHOPROLIFERATIVE NEOPLASMS, FAMILIAL (MULTIPLE TYPES), SUSCEPTIBILITY TO. Last evaluated: 2023-03-16. Review status: no assertion criteria provided. Collection method: literature only. Allele origin: unknown. Not counted in ClinVar's aggregate classification.

Clinical Genomics Labs, University Health Network
Classification: Pathogenic for DDX41-related hematologic malignancy predisposition syndrome. Last evaluated: 2022-02-17. Review status: no assertion criteria provided. Criteria: ACMG Guidelines, 2015. Collection method: clinical testing. Allele origin: germline. Affected: yes. Not counted in ClinVar's aggregate classification.

Genetic Services Laboratory, University of Chicago
Classification: Pathogenic for Acute myeloid leukemia. Last evaluated: 2021-10-01. Review status: no assertion criteria provided. Collection method: clinical testing. Allele origin: germline. Affected: yes. Not counted in ClinVar's aggregate classification.
Comment: DNA sequence analysis of the DDX41 gene demonstrated a four base pair deletion in exon 5, c.415_418dup. This pathogenic sequence change results in an amino acid frameshift and creates a premature stop codon at position 2 in the new reading frame, p.Asp140Glyfs*2. This pathogenic sequence change is predicted to result in an abnormal transcript, which may be degraded, or may lead to the production of a truncated DDX41 protein with potentially abnormal function. This sequence change has been described in the gnomAD database with a frequency of 0.017% in the European (non-Finnish) subpopulation. This pathogenic sequence change is a well described, recurrent variant that has previously been described in multiple individuals with DDX41-related myeloid malignancies (PMID: 25920683, 31484648, 26712909, 31400013, 30963592). This pathogenic sequence change is the most likely cause of this patient's phenotype.

GeneReviews
No classification provided. Condition: DDX41-related hematologic malignancy predisposition syndrome. Review status: no classification provided. Collection method: literature only. Allele origin: germline. Not counted in ClinVar's aggregate classification.
Comment: Common recurrent germline variant, esp in persons of European ancestry [Polprasert et al 2015, Cheah et al 2017, Quesada et al 2019, Bannon et al 2021]

Literature cited by the submitters: PubMed 26712909 (cited by 6 submitters); PubMed 27133828 (cited by Labcorp Genetics (formerly Invitae), Labcorp and Saint-Louis Hospital, Assistance Publique Hôpitaux de Paris); PubMed 25920683 (cited by 5 submitters); PubMed 30963592 (cited by 4 submitters); PubMed 31484648 (cited by Saint-Louis Hospital, Assistance Publique Hôpitaux de Paris); PubMed 28547672 (cited by Ambry Genetics and GeneReviews); PubMed 29365323 (cited by Ambry Genetics); PubMed 36455200 (cited by Ambry Genetics); PubMed 36672294 (cited by Ambry Genetics); PubMed 37154083 (cited by Ambry Genetics); PubMed 38016923 (cited by Ambry Genetics); PubMed 31400013 (cited by Women's Health and Genetics/Laboratory Corporation of America, LabCorp); PubMed 33585199 (cited by Institute for Genomic Medicine (IGM) Clinical Laboratory, Nationwide Children's Hospital and GeneReviews); PubMed 33778416 (cited by Institute for Genomic Medicine (IGM) Clinical Laboratory, Nationwide Children's Hospital); PubMed 35671390 (cited by Institute for Genomic Medicine (IGM) Clinical Laboratory, Nationwide Children's Hospital).